The following is an entry in ClinVar:

NM_006005.3(WFS1):c.2549G>A (p.Cys850Tyr)

Gene: WFS1 (wolframin ER transmembrane glycoprotein; plus strand). Cytogenetic location: 4p16.1.
Variant type: single nucleotide variant.
Coding change: c.2549G>A on transcript NM_006005.3 (MANE Select); coding-DNA position 2549, G replaced by A.
Protein change: p.Cys850Tyr; replaces cysteine 850 with tyrosine.
Molecular consequence: missense variant.
Genome position (GRCh38, 1-based): chr4:6,302,344, G>A. VCF-style: chr4-6302344-G-A. GRCh37 (hg19) VCF-style: chr4-6304071-G-A.
Other names: c.2549G>A, p.Cys850Tyr (NM_001145853.1); short protein forms C850Y.
Identifiers: ClinVar variation 287170 (VCV000287170.9), dbSNP rs748404777, ClinGen allele CA2839773.

ClinVar aggregate classification (germline): Conflicting classifications of pathogenicity. Review status: criteria provided, conflicting classifications (1 of 4 stars). 3 submissions from 3 submitters: Uncertain significance (2); Benign (1). Last evaluated 2023-11-07.

Conditions:
Wolfram syndrome 1 (WFS1). Identifiers: Orphanet 3463, MedGen C4551693, MONDO:0009101, OMIM 222300.

Allele frequency attached by ClinVar (database versions not stated): gnomAD exomes below 0.00001; TOPMed below 0.00001; ExAC 0.00001; gnomAD 0.00001.
gnomAD v4.1: 4 of 1,612,660 alleles (0.00025%); highest among the groups gnomAD compares: South Asian, 0.0011%; no homozygotes.

Submissions (3):

Labcorp Genetics (formerly Invitae), Labcorp
Classification: Uncertain significance. Last evaluated: 2023-11-07. Review status: criteria provided, single submitter. Criteria: Invitae Variant Classification Sherloc (09022015). Collection method: clinical testing. Allele origin: germline.
Comment: This sequence change replaces cysteine, which is neutral and slightly polar, with tyrosine, which is neutral and polar, at codon 850 of the WFS1 protein (p.Cys850Tyr). This variant is present in population databases (rs748404777, gnomAD 0.003%). This variant has not been reported in the literature in individuals affected with WFS1-related conditions. ClinVar contains an entry for this variant (Variation ID: 287170). Advanced modeling of protein sequence and biophysical properties (such as structural, functional, and spatial information, amino acid conservation, physicochemical variation, residue mobility, and thermodynamic stability) performed at Invitae indicates that this missense variant is expected to disrupt WFS1 protein function with a positive predictive value of 95%. In summary, the available evidence is currently insufficient to determine the role of this variant in disease. Therefore, it has been classified as a Variant of Uncertain Significance.

Eurofins Ntd Llc (ga)
Classification: Uncertain significance. Last evaluated: 2016-04-29. Review status: criteria provided, single submitter. Criteria: EGL Classification Definitions 2015. Collection method: clinical testing. Allele origin: germline. Observed: 1 variant allele, 1 heterozygote.

Clinical Genomics, Uppaluri K&H Personalized Medicine Clinic
Classification: Benign for Wolfram syndrome 1. Review status: criteria provided, single submitter. Criteria: K & H Uppaluri Personalized Medicine Clinic Variant Classification & Assertion Criteria_Updated V.1. Collection method: research. Allele origin: unknown. Inheritance: Autosomal recessive inheritance.
Comment: Potent mutations in WFS1 gene are associated with Wolfram's syndrome, an autosomal recessive condition, which cause diabetes mellitus, diabetes insipidus, deafness and optic atrophy. However no sufficient evidence is found to ascertain the role of this particular variant rs748404777 in Wolfram's syndrome yet.

Literature cited by the submitters: PubMed 20738327 (cited by Clinical Genomics, Uppaluri K&H Personalized Medicine Clinic); PubMed 33879153 (cited by Clinical Genomics, Uppaluri K&H Personalized Medicine Clinic); PubMed 12955714 (cited by Clinical Genomics, Uppaluri K&H Personalized Medicine Clinic); PubMed 18060660 (cited by Clinical Genomics, Uppaluri K&H Personalized Medicine Clinic); PubMed 20301750 (cited by Clinical Genomics, Uppaluri K&H Personalized Medicine Clinic); PubMed 17603484 (cited by Clinical Genomics, Uppaluri K&H Personalized Medicine Clinic).